The following is an entry in ClinVar:

NM_173660.5(DOK7):c.889G>A (p.Glu297Lys)

Gene: DOK7 (docking protein 7; plus strand). Cytogenetic location: 4p16.3.
Variant type: single nucleotide variant.
Coding change: c.889G>A on transcript NM_173660.5 (MANE Select); coding-DNA position 889, G replaced by A.
Protein change: p.Glu297Lys; replaces glutamic acid 297 with lysine.
Molecular consequence: missense variant. On other transcripts: 3 prime UTR variant (1), 5 prime UTR variant (1).
Genome position (GRCh38, 1-based): chr4:3,492,875, G>A. VCF-style: chr4-3492875-G-A. GRCh37 (hg19) VCF-style: chr4-3494602-G-A.
Other names: c.*110G>A (NM_001164673.2); c.-42G>A (NM_001256896.2); c.889G>A, p.Glu297Lys (NM_001301071.2); c.457G>A, p.Glu153Lys (NM_001363811.2); short protein forms E153K, E297K.
Identifiers: ClinVar variation 946888 (VCV000946888.1), dbSNP rs1728590424, ClinGen allele CA356116238.

ClinVar aggregate classification (germline): Uncertain significance (1 of 4 stars; one submission).

Conditions:
Fetal akinesia deformation sequence 1 (FADS1). Also called: Fetal akinesia sequence; Pena-Shokeir syndrome type I. Identifiers: Orphanet 994, MedGen C1276035, MONDO:0100101, OMIM 208150, HP:0001989.
Congenital myasthenic syndrome 10. Also called: Myasthenia, limb-girdle, familial. Identifiers: Orphanet 590, MedGen C1850792, MONDO:0009690, OMIM 254300.

Allele frequency attached by ClinVar (database versions not stated): gnomAD exomes 0.00001.
gnomAD v4.1: 18 of 1,603,578 alleles (0.0011%); highest among the groups gnomAD compares: Non-Finnish European, 0.0014%; 1 homozygote.

Submission:

Labcorp Genetics (formerly Invitae), Labcorp
Classification: Uncertain significance for Myasthenia, limb-girdle, familial; Pena-Shokeir syndrome type I. Last evaluated: 2019-07-18. Review status: criteria provided, single submitter. Criteria: Invitae Variant Classification Sherloc (09022015). Collection method: clinical testing. Allele origin: germline.
Comment: This sequence change replaces glutamic acid with lysine at codon 297 of the DOK7 protein (p.Glu297Lys). The glutamic acid residue is highly conserved and there is a small physicochemical difference between glutamic acid and lysine. This variant is not present in population databases (ExAC no frequency). This variant has not been reported in the literature in individuals with DOK7-related conditions. Algorithms developed to predict the effect of missense changes on protein structure and function are either unavailable or do not agree on the potential impact of this missense change (SIFT: "Tolerated"; PolyPhen-2: "Possibly Damaging"; Align-GVGD: "Class C0"). In summary, the available evidence is currently insufficient to determine the role of this variant in disease. Therefore, it has been classified as a Variant of Uncertain Significance.